The following is an entry in ClinVar:

NM_015378.4(VPS13D):c.8821C>T (p.Arg2941Ter)

Gene: VPS13D (vacuolar protein sorting 13 homolog D; plus strand). Cytogenetic location: 1p36.22.
Variant type: single nucleotide variant.
Coding change: c.8821C>T on transcript NM_015378.4 (MANE Select); coding-DNA position 8821, C replaced by T.
Protein change: p.Arg2941Ter; replaces arginine 2941 with a stop codon.
Molecular consequence: nonsense.
Genome position (GRCh38, 1-based): chr1:12,342,987, C>T. VCF-style: chr1-12342987-C-T. GRCh37 (hg19) VCF-style: chr1-12403044-C-T.
Other names: c.8746C>T, p.Arg2916Ter (NM_018156.4); short protein forms R2941*, R2916*.
Identifiers: ClinVar variation 2080966 (VCV002080966.4), dbSNP rs2524322289, ClinGen allele CA338489978.
Genomic context (GRCh38, chr1:12,342,987, plus strand): 5'-GGGGTAGTTCCAGAAGGGAACGGAACATTTCTCGATGATACTCACAATGTTAGTGAATGG[C>T]GAGAAGTCCTTACAGGTGAAGAGATTCCCTTTGAATTTGAAGCAAGAGGAAAGTTAAGAC-3'

ClinVar aggregate classification (germline): Pathogenic (1 of 4 stars; one submission).

Allele frequency attached by ClinVar (database versions not stated): gnomAD exomes below 0.00001.
gnomAD v4.1: 5 of 1,613,500 alleles (0.00031%); highest among the groups gnomAD compares: Non-Finnish European, 0.00042%; no homozygotes.

Submission:

Labcorp Genetics (formerly Invitae), Labcorp
Classification: Pathogenic. Last evaluated: 2025-03-17. Review status: criteria provided, single submitter. Criteria: Invitae Variant Classification Sherloc (09022015). Collection method: clinical testing. Allele origin: germline.
Comment: This sequence change creates a premature translational stop signal (p.Arg2941*) in the VPS13D gene. It is expected to result in an absent or disrupted protein product. Loss-of-function variants in VPS13D are known to be pathogenic (PMID: 29518281). This variant is not present in population databases (gnomAD no frequency). This variant has not been reported in the literature in individuals affected with VPS13D-related conditions. ClinVar contains an entry for this variant (Variation ID: 2080966). Algorithms developed to predict the effect of sequence changes on RNA splicing suggest that this variant may disrupt the consensus splice site. For these reasons, this variant has been classified as Pathogenic.

Literature cited by the submitters: PubMed 29518281.